The following is an entry in ClinVar:

NM_001401501.2(MUC16):c.37527T>C (p.Ser12509=)

Gene: MUC16 (mucin 16, cell surface associated; minus strand). Cytogenetic location: 19p13.2.
Variant type: single nucleotide variant.
Coding change: c.37527T>C on transcript NM_001401501.2 (MANE Select); coding-DNA position 37527, T replaced by C.
Protein change: p.Ser12509=; no amino-acid change (serine 12509 retained).
Molecular consequence: synonymous variant.
Genome position (GRCh38, 1-based): chr19:8,909,478, A>G on the plus strand (T>C on the coding strand, the complement: MUC16 is on the minus strand). VCF-style: chr19-8909478-A-G. GRCh37 (hg19) VCF-style: chr19-9020154-A-G.
Other names: c.37953T>C, p.Ser12651= (NM_001414686.1); c.37407T>C, p.Ser12469= (NM_001414687.1); c.37341T>C, p.Ser12447= (NM_024690.2).
Identifiers: ClinVar variation 3060934 (VCV003060934.2), dbSNP rs11882881, ClinGen allele CA9165206.

ClinVar aggregate classification (germline): Benign (0 of 4 stars; one submission).

Conditions:
MUC16-related disorder. Also called: MUC16-related condition.

Allele frequency attached by ClinVar (database versions not stated): ESP Exome Variant Server 0.38187; gnomAD 0.40851; TOPMed 0.41541; ExAC 0.42511; 1000 Genomes Project 30x 0.43988; 1000 Genomes Project 0.44649.

Submission:

PreventionGenetics, part of Exact Sciences
Classification: Benign for MUC16-related condition. Last evaluated: 2019-10-17. Review status: no assertion criteria provided. Collection method: clinical testing. Allele origin: germline.
Comment: This variant is classified as benign based on ACMG/AMP sequence variant interpretation guidelines (Richards et al. 2015 PMID: 25741868, with internal and published modifications).